The following is an entry in ClinVar:

ClinVar aggregate classification (germline): Uncertain significance (1 of 4 stars; one submission).

Submission:

GeneDx
Classification: Uncertain significance. Last evaluated: 2020-12-18. Review status: criteria provided, single submitter. Criteria: GeneDx Variant Classification Process June 2021. Collection method: clinical testing. Allele origin: germline. Affected: yes.
Comment: Not observed in large population cohorts (Lek et al., 2016); In silico analysis, which includes protein predictors and evolutionary conservation, supports a deleterious effect; Has not been previously published as pathogenic or benign to our knowledge

NM_004456.5(EZH2):c.125T>G (p.Phe42Cys)

Gene: EZH2 (enhancer of zeste 2 polycomb repressive complex 2 subunit; minus strand). Cytogenetic location: 7q36.1.
Variant type: single nucleotide variant.
Coding change: c.125T>G on transcript NM_004456.5 (MANE Select); coding-DNA position 125, T replaced by G.
Protein change: p.Phe42Cys; replaces phenylalanine 42 with cysteine.
Molecular consequence: missense variant.
Genome position (GRCh38, 1-based): chr7:148,846,591, A>C on the plus strand (T>G on the coding strand, the complement: EZH2 is on the minus strand). VCF-style: chr7-148846591-A-C. GRCh37 (hg19) VCF-style: chr7-148543683-A-C.
Other names: c.125T>G, p.Phe42Cys (NM_001203247.2, NM_001203248.2, NM_001203249.2 and 1 more transcripts); short protein forms F42C.
Identifiers: ClinVar variation 1312196 (VCV001312196.2), dbSNP rs2129485055, ClinGen allele CA369708350.